The following is an entry in ClinVar:

ClinVar aggregate classification (germline): Uncertain significance. Review status: criteria provided, multiple submitters, no conflicts (2 of 4 stars). 2 submissions from 2 submitters: Uncertain significance (2). Last evaluated 2024-03-06.

Conditions:
Hereditary cancer-predisposing syndrome. Also called: Neoplastic Syndromes, Hereditary; Hereditary neoplastic syndrome; Tumor predisposition; Hereditary Cancer Syndrome. Identifiers: Orphanet 140162, MedGen C0027672, MeSH D009386, MONDO:0015356.

Allele frequency attached by ClinVar (database versions not stated): gnomAD exomes below 0.00001.
gnomAD v4.1: 1 of 1,613,638 alleles (0.000062%); highest among the groups gnomAD compares: Non-Finnish European, 0.000085%; no homozygotes.

Submissions (2):

Ambry Genetics
Classification: Uncertain significance for Hereditary cancer-predisposing syndrome. Last evaluated: 2024-03-06. Review status: criteria provided, single submitter. Criteria: Ambry Variant Classification Scheme 2023. Collection method: clinical testing. Allele origin: germline.
Comment: The p.L333V variant (also known as c.997T>G), located in coding exon 9 of the NBN gene, results from a T to G substitution at nucleotide position 997. The leucine at codon 333 is replaced by valine, an amino acid with highly similar properties. This amino acid position is conserved. In addition, this alteration is predicted to be tolerated by in silico analysis. Based on the available evidence, the clinical significance of this alteration remains unclear.

Women's Health and Genetics/Laboratory Corporation of America, LabCorp
Classification: Uncertain significance. Last evaluated: 2024-02-16. Review status: criteria provided, single submitter. Criteria: LabCorp Variant Classification Summary - May 2015. Collection method: clinical testing. Allele origin: germline.

NM_002485.5(NBN):c.997T>G (p.Leu333Val)

Gene: NBN (nibrin; minus strand). Cytogenetic location: 8q21.3.
Variant type: single nucleotide variant.
Coding change: c.997T>G on transcript NM_002485.5 (MANE Select); coding-DNA position 997, T replaced by G.
Protein change: p.Leu333Val; replaces leucine 333 with valine.
Molecular consequence: missense variant.
Genome position (GRCh38, 1-based): chr8:89,958,852, A>C on the plus strand (T>G on the coding strand, the complement: NBN is on the minus strand). VCF-style: chr8-89958852-A-C. GRCh37 (hg19) VCF-style: chr8-90971080-A-C.
Other names: c.751T>G, p.Leu251Val (NM_001024688.3); short protein forms L251V, L333V.
Identifiers: ClinVar variation 3068989 (VCV003068989.2), dbSNP rs2488261593, ClinGen allele CA371656820.